The following is an entry in ClinVar:

ClinVar aggregate classification (germline): Uncertain significance (1 of 4 stars; one submission).

Allele frequency attached by ClinVar (database versions not stated): gnomAD exomes 0.00001; TOPMed 0.00001; gnomAD 0.00001.
gnomAD v4.1: 53 of 1,411,930 alleles (0.0038%); highest among the groups gnomAD compares: Non-Finnish European, 0.0048%; no homozygotes.

Submission:

Labcorp Genetics (formerly Invitae), Labcorp
Classification: Uncertain significance. Last evaluated: 2021-11-06. Review status: criteria provided, single submitter. Criteria: Invitae Variant Classification Sherloc (09022015). Collection method: clinical testing. Allele origin: germline.
Comment: This sequence change replaces alanine, which is neutral and non-polar, with serine, which is neutral and polar, at codon 73 of the FAM20C protein (p.Ala73Ser). This variant is present in population databases (no rsID available, gnomAD 0.002%). This variant has not been reported in the literature in individuals affected with FAM20C-related conditions. Algorithms developed to predict the effect of missense changes on protein structure and function are either unavailable or do not agree on the potential impact of this missense change (SIFT: "Deleterious"; PolyPhen-2: "Benign"; Align-GVGD: "Class C0"). In summary, the available evidence is currently insufficient to determine the role of this variant in disease. Therefore, it has been classified as a Variant of Uncertain Significance.

NM_020223.4(FAM20C):c.217G>T (p.Ala73Ser)

Gene: FAM20C (FAM20C golgi associated secretory pathway kinase; plus strand). Cytogenetic location: 7p22.3.
Variant type: single nucleotide variant.
Coding change: c.217G>T on transcript NM_020223.4 (MANE Select); coding-DNA position 217, G replaced by T.
Protein change: p.Ala73Ser; replaces alanine 73 with serine.
Molecular consequence: missense variant.
Genome position (GRCh38, 1-based): chr7:193,416, G>T. VCF-style: chr7-193416-G-T. GRCh37 (hg19) VCF-style: chr7-193416-G-T.
Other names: short protein forms A73S.
Identifiers: ClinVar variation 1466348 (VCV001466348.3), dbSNP rs1222766107, ClinGen allele CA366522985.